The following is an entry in ClinVar:

NM_012295.4(CABIN1):c.673G>A (p.Asp225Asn)

Gene: CABIN1 (calcineurin binding protein 1; plus strand). Cytogenetic location: 22q11.23.
Variant type: single nucleotide variant.
Coding change: c.673G>A on transcript NM_012295.4 (MANE Select); coding-DNA position 673, G replaced by A.
Protein change: p.Asp225Asn; replaces aspartic acid 225 with asparagine.
Molecular consequence: missense variant. On other transcripts: intron variant (1).
Genome position (GRCh38, 1-based): chr22:24,050,841, G>A. VCF-style: chr22-24050841-G-A. GRCh37 (hg19) VCF-style: chr22-24447303-G-A.
Other names: c.673G>A, p.Asp225Asn (NM_001199281.1); c.656+1621G>A (NM_001201429.2); short protein forms D225N.
Identifiers: ClinVar variation 1250878 (VCV001250878.5), dbSNP rs17004823, ClinGen allele CA10148405.

ClinVar aggregate classification (germline): Benign. Review status: criteria provided, multiple submitters, no conflicts (2 of 4 stars). 3 submissions from 3 submitters: Benign (2). 1 of the submissions does not count toward it. Last evaluated 2021-05-04.

Conditions:
CABIN1-related disorder. Also called: CABIN1-related condition.

Allele frequency attached by ClinVar (database versions not stated): gnomAD exomes 0.02206; ExAC 0.02399; 1000 Genomes Project 0.03514; 1000 Genomes Project 30x 0.03795; TOPMed 0.04488; ESP Exome Variant Server 0.04606.
gnomAD v4.1: 35,690 of 1,614,074 alleles (2.2%); highest among the groups gnomAD compares: African/African-American, 10%; 713 homozygotes.

Submissions (3):

GeneDx
Classification: Benign. Last evaluated: 2021-05-04. Review status: criteria provided, single submitter. Criteria: GeneDx Variant Classification Process June 2021. Collection method: clinical testing. Allele origin: germline. Affected: yes.

Breakthrough Genomics
Classification: Benign. Review status: criteria provided, single submitter. Criteria: ACMG Guidelines, 2015. Collection method: not provided. Allele origin: germline. Inheritance: Unknown mechanism. Affected: yes.

PreventionGenetics, part of Exact Sciences
Classification: Benign for CABIN1-related condition. Last evaluated: 2019-04-05. Review status: no assertion criteria provided. Collection method: clinical testing. Allele origin: germline. Not counted in ClinVar's aggregate classification.
Comment: This variant is classified as benign based on ACMG/AMP sequence variant interpretation guidelines (Richards et al. 2015 PMID: 25741868, with internal and published modifications).